The following is an entry in ClinVar:

NM_000204.5(CFI):c.1533A>G (p.Ala511=)

Gene: CFI (complement factor I; minus strand). Cytogenetic location: 4q25.
Variant type: single nucleotide variant.
Coding change: c.1533A>G on transcript NM_000204.5 (MANE Select); coding-DNA position 1533, A replaced by G.
Protein change: p.Ala511=; no amino-acid change (alanine 511 retained).
Molecular consequence: synonymous variant. On other transcripts: non-coding transcript variant (3).
Genome position (GRCh38, 1-based): chr4:109,742,492, T>C on the plus strand (A>G on the coding strand, the complement: CFI is on the minus strand). VCF-style: chr4-109742492-T-C. GRCh37 (hg19) VCF-style: chr4-110663648-T-C.
Other names: c.1557A>G, p.Ala519= (NM_001318057.2, NM_001375278.1); c.1512A>G, p.Ala504= (NM_001331035.2, NM_001375280.1, NM_001375282.1); c.1533A>G, p.Ala511= (NM_001375279.1, NM_001375281.1); c.1476A>G, p.Ala492= (NM_001375283.1); c.924A>G, p.Ala308= (NM_001375284.1).
Identifiers: ClinVar variation 1006658 (VCV001006658.6), dbSNP rs369715801, ClinGen allele CA3041879.

ClinVar aggregate classification (germline): Uncertain significance. Review status: criteria provided, multiple submitters, no conflicts (2 of 4 stars). 2 submissions from 2 submitters: Uncertain significance (2). Last evaluated 2022-02-27.

Conditions:
Atypical hemolytic-uremic syndrome with I factor anomaly. Also called: HEMOLYTIC UREMIC SYNDROME, ATYPICAL, SUSCEPTIBILITY TO, 3; AHUS, SUSCEPTIBILITY TO, 3. Identifiers: Orphanet 2134, MedGen C2752039, MONDO:0013041, OMIM 612923.
Factor I deficiency (CFID). Also called: Complement factor I deficiency. Identifiers: Orphanet 200418, MedGen C3463916, MONDO:0012594, OMIM 610984.
Age related macular degeneration 13. Identifiers: MedGen C3809523, MONDO:0014189, OMIM 615439.

Allele frequency attached by ClinVar (database versions not stated): gnomAD exomes 0.00001; ExAC 0.00002; gnomAD 0.00005 and 0.00006; TOPMed 0.00005; ESP Exome Variant Server 0.00008.
gnomAD v4.1: 22 of 1,602,686 alleles (0.0014%); highest among the groups gnomAD compares: African/African-American, 0.023%; no homozygotes.

Submissions (2):

Fulgent Genetics
Classification: Uncertain significance for Factor I deficiency; Atypical hemolytic-uremic syndrome with I factor anomaly; Age related macular degeneration 13. Last evaluated: 2022-02-27. Review status: criteria provided, single submitter. Criteria: ACMG Guidelines, 2015. Collection method: clinical testing. Allele origin: unknown.

Labcorp Genetics (formerly Invitae), Labcorp
Classification: Uncertain significance. Last evaluated: 2022-02-04. Review status: criteria provided, single submitter. Criteria: Invitae Variant Classification Sherloc (09022015). Collection method: clinical testing. Allele origin: germline.
Comment: This sequence change affects codon 511 of the CFI mRNA. It is a 'silent' change, meaning that it does not change the encoded amino acid sequence of the CFI protein. It affects a nucleotide within the consensus splice site. This variant is present in population databases (rs369715801, gnomAD 0.01%). This variant has not been reported in the literature in individuals affected with CFI-related conditions. ClinVar contains an entry for this variant (Variation ID: 1006658). Algorithms developed to predict the effect of sequence changes on RNA splicing suggest that this variant is not likely to affect RNA splicing. In summary, the available evidence is currently insufficient to determine the role of this variant in disease. Therefore, it has been classified as a Variant of Uncertain Significance.